The following is an entry in ClinVar:

NM_000093.5(COL5A1):c.2603del (p.Gly868fs)

Gene: COL5A1 (collagen type V alpha 1 chain; plus strand). Cytogenetic location: 9q34.3.
Variant type: Deletion.
Coding change: c.2603del on transcript NM_000093.5 (MANE Select); coding-DNA position 2603, one base deleted (G; older notation c.2603delG).
Protein change: p.Gly868fs; shifts the reading frame from glycine 868.
Molecular consequence: frameshift variant.
Genome position (GRCh38, 1-based): chr9:134,786,005, G deleted; the last of 2 consecutive G bases (chr9:134,786,004-134,786,005); deleting either gives the same sequence. VCF-style (leftmost placement, unchanged base first): chr9-134786003-CG-C. GRCh37 (hg19) VCF-style: chr9-137677849-CG-C.
Other names: c.2603del, p.Gly868fs (NM_001278074.1); short protein forms G868fs.
Identifiers: ClinVar variation 2572371 (VCV002572371.1), dbSNP rs2490728660, ClinGen allele CA2580617142.

ClinVar aggregate classification (germline): Pathogenic (1 of 4 stars; one submission).

Conditions:
Ehlers-Danlos syndrome, classic type, 1 (EDSCL1). Also called: EHLERS-DANLOS SYNDROME, GRAVIS TYPE; EHLERS-DANLOS SYNDROME, SEVERE CLASSIC TYPE; Ehlers-Danlos syndrome, type 1; Ehlers-Danlos Syndrome, Classic Type, COL5A1-Related; EDS I. Identifiers: MedGen C0268335, MONDO:0019567, OMIM 130000.

Submission:

Greenwood Genetic Center Diagnostic Laboratories, Greenwood Genetic Center
Classification: Pathogenic for Ehlers-Danlos syndrome, classic type, 1. Last evaluated: 2023-04-25. Review status: criteria provided, single submitter. Criteria: ACMG Guidelines, 2015. Collection method: clinical testing. Allele origin: germline. Affected: yes.
Comment: PVS1, PS2, PM2